The following is an entry in ClinVar:

NM_000019.4(ACAT1):c.182TGC[1] (p.Leu62del)

Gene: ACAT1 (acetyl-CoA acetyltransferase 1; plus strand). Cytogenetic location: 11q22.3.
Variant type: Microsatellite.
Coding change: c.182TGC[1] on transcript NM_000019.4 (MANE Select); one copy of the 3-base unit TGC starting at c.182; the reference has two copies in a row; one copy, 3 bases deleted.
Protein change: p.Leu62del; deletes leucine 62.
Molecular consequence: inframe deletion. On other transcripts: 5 prime UTR variant (10), non-coding transcript variant (2), intron variant (1).
Genome position (GRCh38, 1-based): chr11:108,133,884-108,133,886, TGC deleted; deleting any 3 consecutive bases within chr11:108,133,881-108,133,886 gives the same sequence; the position shown is the placement nearest the transcript's 3' end. VCF-style (leftmost placement, unchanged base first): chr11-108133880-TTGC-T. GRCh37 (hg19) VCF-style: chr11-108004607-TTGC-T.
Other names: c.182TGC[1], p.Leu62del (NM_001386677.1); c.-96TGC[1] (NM_001386679.1); c.-89TGC[1] (NM_001386681.1, NM_001386682.1, NM_001386685.1 and 6 more transcripts); c.120+1930_120+1932del (NM_001386678.1); short protein forms L62del.
Identifiers: ClinVar variation 618508 (VCV000618508.8), dbSNP rs1565288438, ClinGen allele CA913189672.

ClinVar aggregate classification (germline): Uncertain significance (1 of 4 stars; one submission).

Submission:

ARUP Laboratories, Molecular Genetics and Genomics, ARUP Laboratories
Classification: Uncertain significance. Last evaluated: 2017-11-27. Review status: criteria provided, single submitter. Criteria: ARUP Molecular Germline Variant Investigation Process. Collection method: clinical testing. Allele origin: germline.
Comment: The p.Leu62del variant has not been reported in the medical literature, is not listed in gene-specific variant databases, nor has it been previously identified in our laboratory. It is also absent from general population databases such as 1000 Genomes, the NHLBI GO Exome Sequencing Project (ESP), and the Genome Aggregation Database (gnomAD) browser. The p.Leu62del variant removes the leucine at codon 62 without altering the open reading frame. This amino acid is not conserved (UCSC Genome Browser), but computational analyses predict that this variant does affect the structure/function of the ACAT1 protein (SIFT: damaging, MutationTaster: disease causing). Based on the available information, the clinical significance of the p.Leu62del variant cannot be determined with certainty.